The following is an entry in ClinVar:

ClinVar aggregate classification (germline): Uncertain significance (1 of 4 stars; one submission).

Conditions:
Early Myoclonic Encephalopathy. Identifiers: MedGen C0270855.

Allele frequency attached by ClinVar (database versions not stated): gnomAD exomes 0.00004 and 0.00001; TOPMed 0.00001; gnomAD 0.00001.
gnomAD v4.1: 55 of 1,613,610 alleles (0.0034%); highest among the groups gnomAD compares: Non-Finnish European, 0.0046%; no homozygotes.

Submission:

Labcorp Genetics (formerly Invitae), Labcorp
Classification: Uncertain significance for Early Myoclonic Encephalopathy. Last evaluated: 2020-10-14. Review status: criteria provided, single submitter. Criteria: Invitae Variant Classification Sherloc (09022015). Collection method: clinical testing. Allele origin: germline.
Comment: In summary, the available evidence is currently insufficient to determine the role of this variant in disease. Therefore, it has been classified as a Variant of Uncertain Significance. Algorithms developed to predict the effect of sequence changes on RNA splicing suggest that this variant may create or strengthen a splice site, but this prediction has not been confirmed by published transcriptional studies. Algorithms developed to predict the effect of missense changes on protein structure and function (SIFT, PolyPhen-2, Align-GVGD) all suggest that this variant is likely to be tolerated, but these predictions have not been confirmed by published functional studies and their clinical significance is uncertain. This variant has not been reported in the literature in individuals with JMJD1C-related disease. This variant is not present in population databases (ExAC no frequency). This sequence change replaces isoleucine with valine at codon 461 of the JMJD1C protein (p.Ile461Val). The isoleucine residue is weakly conserved and there is a small physicochemical difference between isoleucine and valine.

NM_032776.3(JMJD1C):c.1381A>G (p.Ile461Val)

Gene: JMJD1C (jumonji domain containing 1C; minus strand). Cytogenetic location: 10q21.3.
Variant type: single nucleotide variant.
Coding change: c.1381A>G on transcript NM_032776.3 (MANE Select); coding-DNA position 1381, A replaced by G.
Protein change: p.Ile461Val; replaces isoleucine 461 with valine.
Molecular consequence: missense variant. On other transcripts: non-coding transcript variant (1).
Genome position (GRCh38, 1-based): chr10:63,214,786, T>C on the plus strand (A>G on the coding strand, the complement: JMJD1C is on the minus strand). VCF-style: chr10-63214786-T-C. GRCh37 (hg19) VCF-style: chr10-64974546-T-C.
Other names: c.835A>G, p.Ile279Val (NM_001282948.2, NM_001318154.2); c.517A>G, p.Ile173Val (NM_001318153.2); c.1267A>G, p.Ile423Val (NM_001322252.2); c.724A>G, p.Ile242Val (NM_001322254.2, NM_001322258.2); short protein forms I279V, I461V, I242V, I423V, I173V.
Identifiers: ClinVar variation 660022 (VCV000660022.8), dbSNP rs756289752, ClinGen allele CA208377354.